The following is an entry in ClinVar:

NM_002473.6(MYH9):c.5788G>A (p.Val1930Met)

Gene: MYH9 (myosin heavy chain 9; minus strand). Cytogenetic location: 22q12.3.
Variant type: single nucleotide variant.
Coding change: c.5788G>A on transcript NM_002473.6 (MANE Select); coding-DNA position 5788, G replaced by A.
Protein change: p.Val1930Met; replaces valine 1930 with methionine.
Molecular consequence: missense variant.
Genome position (GRCh38, 1-based): chr22:36,282,763, C>T on the plus strand (G>A on the coding strand, the complement: MYH9 is on the minus strand). VCF-style: chr22-36282763-C-T. GRCh37 (hg19) VCF-style: chr22-36678809-C-T.
Other names: c.5788G>A (NM_002473.5); short protein forms V1930M.
Identifiers: ClinVar variation 1200857 (VCV001200857.12), dbSNP rs142565774, ClinGen allele CA10208902.

ClinVar aggregate classification (germline): Conflicting classifications of pathogenicity. Review status: criteria provided, conflicting classifications (1 of 4 stars). 4 submissions from 4 submitters: Uncertain significance (1); Likely benign (3). Last evaluated 2026-06-01.

Conditions:
MYH9-related disorder. Identifiers: MedGen C1854520.

Allele frequency attached by ClinVar (database versions not stated): ESP Exome Variant Server 0.00038.
gnomAD v4.1: 66 of 1,612,270 alleles (0.0041%); highest among the groups gnomAD compares: African/African-American, 0.024%; no homozygotes.

Submissions (4):

PreventionGenetics, part of Exact Sciences
Classification: Uncertain significance for MYH9-related condition. Last evaluated: 2026-06-01. Review status: criteria provided, single submitter. Criteria: ACMG Guidelines, 2015. Collection method: clinical testing. Allele origin: germline.
Comment: The MYH9 c.5788G>A variant is predicted to result in the amino acid substitution p.Val1930Met. This variant was reported in an individual with pediatric dilated cardiomyopathy (Burstein et al 2021. PubMed ID: 32746448). This variant is reported in 0.028% of alleles in individuals of African descent in gnomAD. Although we suspect that this variant may be benign, at this time, the clinical significance of this variant is uncertain due to the absence of conclusive functional and genetic evidence.

Labcorp Genetics (formerly Invitae), Labcorp
Classification: Likely benign. Last evaluated: 2026-01-24. Review status: criteria provided, single submitter. Criteria: Invitae Variant Classification Sherloc (09022015). Collection method: clinical testing. Allele origin: germline.

GeneDx
Classification: Likely benign. Last evaluated: 2020-06-04. Review status: criteria provided, single submitter. Criteria: GeneDx Variant Classification Process June 2021. Collection method: clinical testing. Allele origin: germline. Affected: yes.

Blueprint Genetics
Classification: Likely benign. Last evaluated: 2019-01-29. Review status: criteria provided, single submitter. Criteria: ACMG Guidelines, 2015. Collection method: clinical testing. Allele origin: germline.